The following is an entry in ClinVar:

ClinVar aggregate classification (germline): Uncertain significance (1 of 4 stars; one submission).
ClinVar aggregate classification (oncogenicity): Likely oncogenic (1 of 4 stars; one submission).

Conditions:
Neoplasm. Also called: tumor; Neoplasms; Neoplasm (disease). Identifiers: MedGen C0027651, MeSH D009369, MONDO:0005070, HP:0002664.

Submissions (2):

Center for Genomic Medicine, Rigshospitalet, Copenhagen University Hospital
Classification: Likely oncogenic for Neoplasm. Last evaluated: 2026-10-16. Review status: criteria provided, single submitter. Criteria: ClinGen/CGC/VICC Guidelines for Oncogenicity, 2022. Collection method: clinical testing. Allele origin: somatic. Affected: yes.

CeGaT Center for Human Genetics Tuebingen
Classification: Uncertain significance. Last evaluated: 2023-11-01. Review status: criteria provided, single submitter. Criteria: CeGaT Center For Human Genetics Tuebingen Variant Classification Criteria Version 2. Collection method: clinical testing. Allele origin: germline. Affected: yes. Observed: 1 variant allele.
Comment: CIC: PM5, PP2

NM_001386298.1(CIC):c.3371G>A (p.Arg1124Gln)

Gene: CIC (capicua transcriptional repressor; plus strand). Cytogenetic location: 19q13.2.
Variant type: single nucleotide variant.
Coding change: c.3371G>A on transcript NM_001386298.1 (MANE Select); coding-DNA position 3371, G replaced by A.
Protein change: p.Arg1124Gln; replaces arginine 1124 with glutamine.
Molecular consequence: missense variant.
Genome position (GRCh38, 1-based): chr19:42,287,606, G>A. VCF-style: chr19-42287606-G-A. GRCh37 (hg19) VCF-style: chr19-42791758-G-A.
Other names: c.3371G>A, p.Arg1124Gln (NM_001304815.2, NM_001379480.1, NM_001379482.1 and 1 more transcripts); c.644G>A, p.Arg215Gln (NM_001379484.1, NM_001379485.1, NM_015125.5); short protein forms R1124Q, R215Q.
Identifiers: ClinVar variation 2672771 (VCV002672771.24), dbSNP rs1380826096, ClinGen allele CA406097762.